The following is an entry in ClinVar:

ClinVar aggregate classification (germline): Uncertain significance (1 of 4 stars; one submission).

Conditions:
MHC class I deficiency. Identifiers: Orphanet 34592, MedGen C6024714, MONDO:0011476.

Allele frequency attached by ClinVar (database versions not stated): TOPMed below 0.00001; gnomAD exomes below 0.00001.
gnomAD v4.1: 5 of 1,613,104 alleles (0.00031%); highest among the groups gnomAD compares: Non-Finnish European, 0.00042%; no homozygotes.

Submission:

Labcorp Genetics (formerly Invitae), Labcorp
Classification: Uncertain significance for MHC class I deficiency 1. Last evaluated: 2019-09-18. Review status: criteria provided, single submitter. Criteria: Invitae Variant Classification Sherloc (09022015). Collection method: clinical testing. Allele origin: germline.
Comment: In summary, the available evidence is currently insufficient to determine the role of this variant in disease. Therefore, it has been classified as a Variant of Uncertain Significance. Algorithms developed to predict the effect of missense changes on protein structure and function (SIFT, PolyPhen-2, Align-GVGD) all suggest that this variant is likely to be tolerated, but these predictions have not been confirmed by published functional studies and their clinical significance is uncertain. This variant has not been reported in the literature in individuals with TAPBP-related conditions. This variant is not present in population databases (ExAC no frequency). This sequence change replaces aspartic acid with alanine at codon 59 of the TAPBP protein (p.Asp59Ala). The aspartic acid residue is moderately conserved and there is a moderate physicochemical difference between aspartic acid and alanine.

NM_003190.5(TAPBP):c.176A>C (p.Asp59Ala)

Gene: TAPBP (TAP binding protein; minus strand). Cytogenetic location: 6p21.32.
Variant type: single nucleotide variant.
Coding change: c.176A>C on transcript NM_003190.5 (MANE Select); coding-DNA position 176, A replaced by C.
Protein change: p.Asp59Ala; replaces aspartic acid 59 with alanine.
Molecular consequence: missense variant.
Genome position (GRCh38, 1-based): chr6:33,313,726, T>G on the plus strand (A>C on the coding strand, the complement: TAPBP is on the minus strand). VCF-style: chr6-33313726-T-G. GRCh37 (hg19) VCF-style: chr6-33281503-T-G.
Other names: c.176A>C, p.Asp59Ala (NM_172208.3, NM_172209.3); short protein forms D59A.
Identifiers: ClinVar variation 940078 (VCV000940078.9), dbSNP rs1769553234, ClinGen allele CA363622195.